The following is an entry in ClinVar:

NM_001377.3(DYNC2H1):c.8764_8765del (p.Ser2922fs)

Gene: DYNC2H1 (dynein cytoplasmic 2 heavy chain 1; plus strand). Cytogenetic location: 11q22.3.
Variant type: Deletion.
Coding change: c.8764_8765del on transcript NM_001377.3 (MANE Select); coding-DNA positions 8764 to 8765, 2 bases deleted (AG; older notation c.8764_8765delAG).
Protein change: p.Ser2922fs; shifts the reading frame from serine 2922.
Molecular consequence: frameshift variant.
Genome position (GRCh38, 1-based): chr11:103,215,790-103,215,791, AG deleted. VCF-style (leftmost placement, unchanged base first): chr11-103215789-AAG-A. GRCh37 (hg19) VCF-style: chr11-103086518-AAG-A.
Other names: c.8764_8765del, p.Ser2922fs (NM_001080463.2); short protein forms S2922fs.
Identifiers: ClinVar variation 5015610 (VCV005015610.1).

ClinVar aggregate classification (germline): Pathogenic (1 of 4 stars; one submission).

Conditions:
Asphyxiating thoracic dystrophy 3. Also called: SHORT-RIB THORACIC DYSPLASIA 3 WITH OR WITHOUT POLYDACTYLY; POLYDACTYLY WITH NEONATAL CHONDRODYSTROPHY, TYPE I; SHORT-RIB THORACIC DYSPLASIA 3/6 WITH POLYDACTYLY, DIGENIC; Short rib polydactyly syndrome 2B; Saldino-Noonan Syndrome. Identifiers: Orphanet 474, Orphanet 93269, Orphanet 93270, Orphanet 93271, MedGen C0036069, MONDO:0013127, OMIM 613091.

Submission:

Myriad Genetics, Inc.
Classification: Pathogenic for Asphyxiating thoracic dystrophy 3. Last evaluated: 2026-02-26. Review status: criteria provided, single submitter. Criteria: Myriad Autosomal Dominant, Autosomal Recessive and X-Linked Classification Criteria (2023). Collection method: clinical testing. Allele origin: unknown.
Comment: NM_001377.2(DYNC2H1):c.8764_8765delAG(S2922Cfs*4) is expected to be pathogenic in the context of DYNC2H1-related disorders. This variant is predicted to lead to an abnormal or absent protein product due to the creation of a premature termination codon in DYNC2H1, a gene where loss-of-function variants are known to be pathogenic. Please note: this variant was assessed in the context of healthy population screening.